The following is an entry in ClinVar:

ClinVar aggregate classification (germline): Uncertain significance (1 of 4 stars; one submission).

gnomAD v4.1: 12 of 1,587,312 alleles (0.00076%); highest among the groups gnomAD compares: East Asian, 0.0068%; no homozygotes.

Submission:

GeneDx
Classification: Uncertain significance. Last evaluated: 2025-05-23. Review status: criteria provided, single submitter. Criteria: GeneDx Variant Classification Process June 2021. Collection method: clinical testing. Allele origin: germline. Affected: yes.
Comment: In silico analysis suggests that this missense variant does not alter protein structure/function; Has not been previously published as pathogenic or benign to our knowledge

NM_015656.2(KIF26A):c.3604G>A (p.Ala1202Thr)

Gene: KIF26A (kinesin family member 26A; plus strand). Cytogenetic location: 14q32.33.
Variant type: single nucleotide variant.
Coding change: c.3604G>A on transcript NM_015656.2 (MANE Select); coding-DNA position 3604, G replaced by A.
Protein change: p.Ala1202Thr; replaces alanine 1202 with threonine.
Molecular consequence: missense variant.
Genome position (GRCh38, 1-based): chr14:104,176,392, G>A. VCF-style: chr14-104176392-G-A. GRCh37 (hg19) VCF-style: chr14-104642729-G-A.
Other names: short protein forms A1202T.
Identifiers: ClinVar variation 3370853 (VCV003370853.2).